The following is an entry in ClinVar:

ClinVar aggregate classification (germline): Pathogenic/Likely pathogenic. Review status: criteria provided, multiple submitters, no conflicts (2 of 4 stars). 2 submissions from 2 submitters: Pathogenic (1); Likely pathogenic (1). Last evaluated 2025-07-14.

Conditions:
Catecholaminergic polymorphic ventricular tachycardia 1. Also called: VENTRICULAR TACHYCARDIA, STRESS-INDUCED POLYMORPHIC 1; VENTRICULAR TACHYCARDIA, CATECHOLAMINERGIC POLYMORPHIC, 1, WITH OR WITHOUT ATRIAL DYSFUNCTION AND/OR DILATED CARDIOMYOPATHY; RYR2-Related Catecholaminergic Polymorphic Ventricular Tachycardia. Identifiers: Orphanet 3286, MedGen C1631597, MONDO:0011484, OMIM 604772.
Catecholaminergic polymorphic ventricular tachycardia 2. Also called: VENTRICULAR TACHYCARDIA, STRESS-INDUCED POLYMORPHIC 2; CASQ2-Related Catecholaminergic Polymorphic Ventricular Tachycardia. Identifiers: Orphanet 3286, MedGen C2677794, MONDO:0012762, OMIM 611938.

gnomAD v4.1: 4 of 1,614,018 alleles (0.00025%); highest among the groups gnomAD compares: Non-Finnish European, 0.00034%; no homozygotes.

Submissions (2):

Labcorp Genetics (formerly Invitae), Labcorp
Classification: Pathogenic for Catecholaminergic polymorphic ventricular tachycardia 1. Last evaluated: 2025-07-14. Review status: criteria provided, single submitter. Criteria: Invitae Variant Classification Sherloc (09022015). Collection method: clinical testing. Allele origin: germline.
Comment: This sequence change creates a premature translational stop signal (p.Glu159*) in the CASQ2 gene. It is expected to result in an absent or disrupted protein product. Loss-of-function variants in CASQ2 are known to be pathogenic (PMID: 12386154). This variant is present in population databases (rs375598471, gnomAD 0.002%). This variant has not been reported in the literature in individuals affected with CASQ2-related conditions. ClinVar contains an entry for this variant (Variation ID: 654552). For these reasons, this variant has been classified as Pathogenic.

Dasa
Classification: Likely pathogenic for Catecholaminergic polymorphic ventricular tachycardia 2. Last evaluated: 2025-06-13. Review status: criteria provided, single submitter. Criteria: DASA Assertion Criteria. Collection method: clinical testing. Allele origin: germline.
Comment: NM_001232.4(CASQ2):c.475G>T (p.Glu159*) is a nonsense variant in CASQ2 predicted to introduce a premature termination codon and is predicted to result in an absent or altered protein product. Loss of function is an established disease mechanism for CASQ2-associated disorders. Also, this variant is rare in population databases. Based on the currently available evidence, this variant is classified as likely pathogenic.

Literature cited by the submitters: PubMed 12386154 (cited by Labcorp Genetics (formerly Invitae), Labcorp).

NM_001232.4(CASQ2):c.475G>T (p.Glu159Ter)

Gene: CASQ2 (calsequestrin 2; minus strand). Cytogenetic location: 1p13.1.
Variant type: single nucleotide variant.
Coding change: c.475G>T on transcript NM_001232.4 (MANE Select); coding-DNA position 475, G replaced by T.
Protein change: p.Glu159Ter; replaces glutamic acid 159 with a stop codon.
Molecular consequence: nonsense.
Genome position (GRCh38, 1-based): chr1:115,738,281, C>A on the plus strand (G>T on the coding strand, the complement: CASQ2 is on the minus strand). VCF-style: chr1-115738281-C-A. GRCh37 (hg19) VCF-style: chr1-116280902-C-A.
Other names: short protein forms E159*.
Identifiers: ClinVar variation 654552 (VCV000654552.10), dbSNP rs375598471, ClinGen allele CA1023900.
Genomic context (GRCh38, chr1:115,738,281, plus strand): 5'-TACATTCTGAGTCCTCACTCTTGAAAAAGCCAATGAGTTTGATGTAGTCTTCAATGCGTT[C>A]GAAGGCTTGGACTTCCAGTTTGCTGCTGATGATCTCCACTGGGTCTTCAATTAGCTGAAA-3'